The following is an entry in ClinVar:

NM_001283009.2(RTEL1):c.3438G>A (p.Pro1146=)

Genes: RTEL1-TNFRSF6B (RTEL1-TNFRSF6B readthrough (NMD candidate); plus strand), RTEL1 (regulator of telomere elongation helicase 1; plus strand). Cytogenetic location: 20q13.33.
Variant type: single nucleotide variant.
Coding change: c.3438G>A on transcript NM_001283009.2 (MANE Select); coding-DNA position 3438, G replaced by A.
Protein change: p.Pro1146=; no amino-acid change (proline 1146 retained).
Molecular consequence: synonymous variant. On other transcripts: non-coding transcript variant (1).
Genome position (GRCh38, 1-based): chr20:63,695,160, G>A. VCF-style: chr20-63695160-G-A. GRCh37 (hg19) VCF-style: chr20-62326513-G-A.
Other names: c.2769G>A, p.Pro923= (NM_001283010.1); c.3438G>A, p.Pro1146= (NM_016434.4); c.3510G>A, p.Pro1170= (NM_032957.5).
Identifiers: ClinVar variation 762048 (VCV000762048.38), dbSNP rs770920450, ClinGen allele CA9966031.

ClinVar aggregate classification (germline): Likely benign. Review status: criteria provided, multiple submitters, no conflicts (2 of 4 stars). 5 submissions from 5 submitters: Likely benign (4). 1 of the submissions does not count toward it. Last evaluated 2025-12-01.

Conditions:
Dyskeratosis congenita, autosomal recessive 5 (DKCB5). Identifiers: MedGen C3554656, MONDO:0014076, OMIM 615190.
Pulmonary fibrosis and/or bone marrow failure, Telomere-related, 3. Also called: PULMONARY FIBROSIS AND/OR BONE MARROW FAILURE SYNDROME, TELOMERE-RELATED, 3. Identifiers: Orphanet 2032, MedGen C4225346, MONDO:0014613, OMIM 616373.
Inborn genetic diseases. Identifiers: MedGen C0950123, MeSH D030342.
Dyskeratosis congenita. Identifiers: Orphanet 1775, MedGen C0265965, MONDO:0015780.

Allele frequency attached by ClinVar (database versions not stated): gnomAD 0.00002; TOPMed 0.00003; ExAC 0.00005; gnomAD exomes 0.00005.
gnomAD v4.1: 52 of 1,612,258 alleles (0.0032%); highest among the groups gnomAD compares: East Asian, 0.038%; no homozygotes.

Submissions (5):

Labcorp Genetics (formerly Invitae), Labcorp
Classification: Likely benign for Dyskeratosis congenita, autosomal recessive 5; Pulmonary fibrosis and/or bone marrow failure, Telomere-related, 3. Last evaluated: 2025-12-01. Review status: criteria provided, single submitter. Criteria: Invitae Variant Classification Sherloc (09022015). Collection method: clinical testing. Allele origin: germline.

Ambry Genetics
Classification: Likely benign for Inborn genetic diseases. Last evaluated: 2024-11-18. Review status: criteria provided, single submitter. Criteria: Ambry Variant Classification Scheme 2023. Collection method: clinical testing. Allele origin: germline.

CeGaT Center for Human Genetics Tuebingen
Classification: Likely benign. Last evaluated: 2022-06-01. Review status: criteria provided, single submitter. Criteria: CeGaT Center For Human Genetics Tuebingen Variant Classification Criteria Version 2. Collection method: clinical testing. Allele origin: germline. Affected: yes. Observed: 1 variant allele.
Comment: RTEL1: BP4, BP7

Blueprint Genetics
Classification: Likely benign. Last evaluated: 2021-12-27. Review status: criteria provided, single submitter. Criteria: ACMG Guidelines, 2015. Collection method: clinical testing. Allele origin: germline.

Natera, Inc.
Classification: Uncertain significance for Dyskeratosis congenita. Last evaluated: 2020-01-24. Review status: no assertion criteria provided. Collection method: clinical testing. Allele origin: germline. Not counted in ClinVar's aggregate classification.